The following is an entry in ClinVar:

NM_000310.4(PPT1):c.799-2del

Gene: PPT1 (palmitoyl-protein thioesterase 1; minus strand). Cytogenetic location: 1p34.2.
Variant type: Deletion.
Coding change: c.799-2del on transcript NM_000310.4 (MANE Select); the canonical splice acceptor site of the intron before coding-DNA position 799, one base deleted (A; older notation c.799-2delA).
Molecular consequence: splice acceptor variant.
Genome position (GRCh38, 1-based): chr1:40,074,185, T deleted on the plus strand (A on the coding strand, the reverse complement: PPT1 is on the minus strand). VCF-style (leftmost placement, unchanged base first): chr1-40074184-CT-C. GRCh37 (hg19) VCF-style: chr1-40539856-CT-C.
Other names: c.490-2del (NM_001142604.2); c.727-2del (NM_001363695.2).
Identifiers: ClinVar variation 4081772 (VCV004081772.1).

ClinVar aggregate classification (germline): Likely pathogenic (1 of 4 stars; one submission).

Conditions:
Neuronal ceroid lipofuscinosis 1 (CLN1). Also called: PPT1-Related Neuronal Ceroid-Lipofuscinosis; CEROID LIPOFUSCINOSIS, NEURONAL, 1, VARIABLE AGE AT ONSET. Identifiers: Orphanet 228329, MedGen C1850451, MONDO:0009744, OMIM 256730.

Submission:

Myriad Genetics, Inc.
Classification: Likely pathogenic for Neuronal ceroid lipofuscinosis 1. Last evaluated: 2025-04-02. Review status: criteria provided, single submitter. Criteria: Myriad Autosomal Dominant, Autosomal Recessive and X-Linked Classification Criteria (2023). Collection method: clinical testing. Allele origin: unknown.
Comment: NM_000310.3(PPT1):c.799-2delA is a variant in a canonical splice site classified as likely pathogenic in the context of neuronal ceroid lipofuscinosis, PPT1-related. c.799-2delA has not been observed in cases with relevant disease. Relevant functional assessments of this variant are not available in the literature. c.799-2delA has not been observed in referenced population frequency databases. In summary, NM_000310.3(PPT1):c.799-2delA is a variant in a canonical splice site in a gene where loss of function is a known mechanism of disease and is predicted to disrupt protein function. Please note: this variant was assessed in the context of healthy population screening.